The following is an entry in ClinVar:

ClinVar aggregate classification (germline): Uncertain significance (1 of 4 stars; one submission).

Allele frequency attached by ClinVar (database versions not stated): ExAC 0.00001; gnomAD exomes 0.00001.
gnomAD v4.1: 10 of 1,599,700 alleles (0.00063%); highest among the groups gnomAD compares: South Asian, 0.0033%; no homozygotes.

Submission:

Labcorp Genetics (formerly Invitae), Labcorp
Classification: Uncertain significance. Last evaluated: 2025-04-07. Review status: criteria provided, single submitter. Criteria: Invitae Variant Classification Sherloc (09022015). Collection method: clinical testing. Allele origin: germline.
Comment: This sequence change replaces arginine, which is basic and polar, with glutamine, which is neutral and polar, at codon 365 of the GPSM2 protein (p.Arg365Gln). This variant is present in population databases (rs751581246, gnomAD 0.006%). This variant has not been reported in the literature in individuals affected with GPSM2-related conditions. ClinVar contains an entry for this variant (Variation ID: 1476133). Invitae Evidence Modeling of protein sequence and biophysical properties (such as structural, functional, and spatial information, amino acid conservation, physicochemical variation, residue mobility, and thermodynamic stability) indicates that this missense variant is not expected to disrupt GPSM2 protein function with a negative predictive value of 80%. In summary, the available evidence is currently insufficient to determine the role of this variant in disease. Therefore, it has been classified as a Variant of Uncertain Significance.

NM_013296.5(GPSM2):c.1094G>A (p.Arg365Gln)

Gene: GPSM2 (G protein signaling modulator 2; plus strand). Cytogenetic location: 1p13.3.
Variant type: single nucleotide variant.
Coding change: c.1094G>A on transcript NM_013296.5 (MANE Select); coding-DNA position 1094, G replaced by A.
Protein change: p.Arg365Gln; replaces arginine 365 with glutamine.
Molecular consequence: missense variant.
Genome position (GRCh38, 1-based): chr1:108,904,156, G>A. VCF-style: chr1-108904156-G-A. GRCh37 (hg19) VCF-style: chr1-109446778-G-A.
Other names: c.1094G>A, p.Arg365Gln (NM_001321038.2, NM_001321039.3); short protein forms R365Q.
Identifiers: ClinVar variation 1476133 (VCV001476133.8), dbSNP rs751581246, ClinGen allele CA982970.